The following is an entry in ClinVar:

ClinVar aggregate classification (germline): Uncertain significance. Review status: criteria provided, multiple submitters, no conflicts (2 of 4 stars). 3 submissions from 3 submitters: Uncertain significance (3). Last evaluated 2026-10-15.

Conditions:
Inborn genetic diseases. Identifiers: MedGen C0950123, MeSH D030342.
Familial hemiplegic migraine. Identifiers: MedGen C0338484, MONDO:0000700.

Allele frequency attached by ClinVar (database versions not stated): ExAC 0.00002; gnomAD 0.00005; gnomAD exomes 0.00002; TOPMed 0.00003.
gnomAD v4.1: 55 of 1,613,628 alleles (0.0034%); highest among the groups gnomAD compares: African/African-American, 0.0054%; no homozygotes.

Submissions (3):

GeneDx
Classification: Uncertain significance. Last evaluated: 2026-10-15. Review status: criteria provided, single submitter. Criteria: GeneDx Variant Classification Process June 2021. Collection method: clinical testing. Allele origin: germline.
Comment: In silico analysis suggests that this missense variant does not alter protein structure/function; Has not been previously published as pathogenic or benign to our knowledge

Labcorp Genetics (formerly Invitae), Labcorp
Classification: Uncertain significance for Familial hemiplegic migraine. Last evaluated: 2026-01-25. Review status: criteria provided, single submitter. Criteria: Invitae Variant Classification Sherloc (09022015). Collection method: clinical testing. Allele origin: germline.
Comment: This sequence change replaces isoleucine, which is neutral and non-polar, with valine, which is neutral and non-polar, at codon 792 of the ATP1A2 protein (p.Ile792Val). This variant is present in population databases (rs758749177, gnomAD 0.004%). This variant has not been reported in the literature in individuals affected with ATP1A2-related conditions. ClinVar contains an entry for this variant (Variation ID: 204897). Invitae Evidence Modeling of protein sequence and biophysical properties (such as structural, functional, and spatial information, amino acid conservation, physicochemical variation, residue mobility, and thermodynamic stability) indicates that this missense variant is not expected to disrupt ATP1A2 protein function with a negative predictive value of 80%. In summary, the available evidence is currently insufficient to determine the role of this variant in disease. Therefore, it has been classified as a Variant of Uncertain Significance.

Ambry Genetics
Classification: Uncertain significance for Inborn genetic diseases. Last evaluated: 2025-01-16. Review status: criteria provided, single submitter. Criteria: Ambry Variant Classification Scheme 2023. Collection method: clinical testing. Allele origin: germline.

NM_000702.4(ATP1A2):c.2374A>G (p.Ile792Val)

Gene: ATP1A2 (ATPase Na+/K+ transporting subunit alpha 2; plus strand). Cytogenetic location: 1q23.2.
Variant type: single nucleotide variant.
Coding change: c.2374A>G on transcript NM_000702.4 (MANE Select); coding-DNA position 2374, A replaced by G.
Protein change: p.Ile792Val; replaces isoleucine 792 with valine.
Molecular consequence: missense variant.
Genome position (GRCh38, 1-based): chr1:160,135,928, A>G. VCF-style: chr1-160135928-A-G. GRCh37 (hg19) VCF-style: chr1-160105718-A-G.
Other names: p.I792V:ATT>GTT; short protein forms I792V.
Identifiers: ClinVar variation 204897 (VCV000204897.14), dbSNP rs758749177, ClinGen allele CA313310.